The following is an entry in ClinVar:

NM_001042492.3(NF1):c.976A>T (p.Lys326Ter)

Gene: NF1 (neurofibromin 1; plus strand). Cytogenetic location: 17q11.2.
Variant type: single nucleotide variant.
Coding change: c.976A>T on transcript NM_001042492.3 (MANE Select); coding-DNA position 976, A replaced by T.
Protein change: p.Lys326Ter; replaces lysine 326 with a stop codon.
Molecular consequence: nonsense.
Genome position (GRCh38, 1-based): chr17:31,200,509, A>T. VCF-style: chr17-31200509-A-T. GRCh37 (hg19) VCF-style: chr17-29527527-A-T.
Other names: c.976A>T, p.Lys326Ter (NM_000267.4, NM_001128147.3); short protein forms K326*.
Identifiers: ClinVar variation 4735030 (VCV004735030.1).
Genomic context (GRCh38, chr17:31,200,509, plus strand): 5'-GCTCTTGCTGGCCATGGAGGAAGTAGGCAGCTGACAGAAAGTGCTGCAATTGCCTGTGTC[A>T]AACTGTGTAAAGCAAGTACTTACATCAATTGGGAAGATAACTCTGTCATTTTCCTACTTG-3'

ClinVar aggregate classification (germline): Pathogenic (1 of 4 stars; one submission).

Conditions:
Neurofibromatosis, type 1 (NF1). Also called: VON RECKLINGHAUSEN DISEASE; Peripheral type neurofibromatosis; NEUROFIBROMATOSIS, TYPE I, SOMATIC; Neurofibromatosis, type I. Identifiers: Orphanet 636, MedGen C0027831, MONDO:0018975, OMIM 162200. Disease mechanism: loss of function.

Submission:

Labcorp Genetics (formerly Invitae), Labcorp
Classification: Pathogenic for Neurofibromatosis, type 1. Last evaluated: 2026-01-10. Review status: criteria provided, single submitter. Criteria: Invitae Variant Classification Sherloc (09022015). Collection method: clinical testing. Allele origin: germline.
Comment: This sequence change creates a premature translational stop signal (p.Lys326*) in the NF1 gene. It is expected to result in an absent or disrupted protein product. Loss-of-function variants in NF1 are known to be pathogenic (PMID: 10712197, 23913538). This variant is not present in population databases (gnomAD no frequency). This variant has not been reported in the literature in individuals affected with NF1-related conditions. Algorithms developed to predict the effect of sequence changes on RNA splicing suggest that this variant may disrupt the consensus splice site. For these reasons, this variant has been classified as Pathogenic.

Literature cited by the submitters: PubMed 10712197; PubMed 23913538.